The following is an entry in ClinVar:

ClinVar aggregate classification (germline): Uncertain significance. Review status: criteria provided, multiple submitters, no conflicts (2 of 4 stars). 2 submissions from 2 submitters: Uncertain significance (2). Last evaluated 2024-05-02.

Conditions:
Familial cancer of breast. Also called: BREAST CANCER, FAMILIAL; Hereditary breast cancer; hereditary breast carcinoma. Identifiers: Orphanet 227535, MedGen C0346153, MONDO:0016419, OMIM 114480. Disease mechanism: loss of function.
Hereditary cancer-predisposing syndrome. Also called: Hereditary neoplastic syndrome; Neoplastic Syndromes, Hereditary; Hereditary Cancer Syndrome; Tumor predisposition. Identifiers: Orphanet 140162, MedGen C0027672, MeSH D009386, MONDO:0015356.

gnomAD v4.1: 6 of 1,613,456 alleles (0.00037%); highest among the groups gnomAD compares: Non-Finnish European, 0.00042%; no homozygotes.

Submissions (2):

Ambry Genetics
Classification: Uncertain significance for Hereditary cancer-predisposing syndrome. Last evaluated: 2024-05-02. Review status: criteria provided, single submitter. Criteria: Ambry Variant Classification Scheme 2023. Collection method: clinical testing. Allele origin: germline.
Comment: The c.325A>G variant (also known as p.S109G), located in coding exon 3 of the BARD1 gene, results from an A to G substitution at nucleotide position 325. The serine at codon 109 is replaced by glycine, an amino acid with similar properties. This nucleotide position is well conserved in available vertebrate species. In silico splice site analysis predicts that this alteration will result in the creation or strengthening of a novel splice donor site. RNA studies have demonstrated that this alteration results in a transcript predicted to lead to a protein with an in-frame insertion of 1 amino acid and an in-frame deletion of 14 amino acid(s); however, the exact functional impact of the inserted and deleted amino acid(s) is unknown at this time (Ambry internal data). Based on the available evidence, the clinical significance of this variant remains unclear.

Labcorp Genetics (formerly Invitae), Labcorp
Classification: Uncertain significance for Familial cancer of breast. Last evaluated: 2017-10-26. Review status: criteria provided, single submitter. Criteria: Invitae Variant Classification Sherloc (09022015). Collection method: clinical testing. Allele origin: germline.
Comment: In summary, the available evidence is currently insufficient to determine the role of this variant in disease. Therefore, it has been classified as a Variant of Uncertain Significance. Algorithms developed to predict the effect of sequence changes on RNA splicing suggest that this variant may create or strengthen a splice site, but this prediction has not been confirmed by published transcriptional studies. Algorithms developed to predict the effect of missense changes on protein structure and function (SIFT, PolyPhen-2, Align-GVGD) all suggest that this variant is likely to be tolerated, but these predictions have not been confirmed by published functional studies and their clinical significance is uncertain. This variant has not been reported in the literature in individuals with BARD1-related disease. This variant is not present in population databases (ExAC no frequency). This sequence change replaces serine with glycine at codon 109 of the BARD1 protein (p.Ser109Gly). The serine residue is moderately conserved and there is a small physicochemical difference between serine and glycine.

NM_000465.4(BARD1):c.325A>G (p.Ser109Gly)

Gene: BARD1 (BRCA1 associated RING domain 1; minus strand). Cytogenetic location: 2q35.
Variant type: single nucleotide variant.
Coding change: c.325A>G on transcript NM_000465.4 (MANE Select); coding-DNA position 325, A replaced by G.
Protein change: p.Ser109Gly; replaces serine 109 with glycine.
Molecular consequence: missense variant. On other transcripts: non-coding transcript variant (1), intron variant (2).
Genome position (GRCh38, 1-based): chr2:214,792,336, T>C on the plus strand (A>G on the coding strand, the complement: BARD1 is on the minus strand). VCF-style: chr2-214792336-T-C. GRCh37 (hg19) VCF-style: chr2-215657060-T-C.
Other names: c.268A>G, p.Ser90Gly (NM_001282543.2); c.325A>G, p.Ser109Gly (NM_001282549.2); c.158+17076A>G (NM_001282548.2); c.215+4725A>G (NM_001282545.2); c.325A>G (NM_000465.2); short protein forms S109G, S90G.
Identifiers: ClinVar variation 530029 (VCV000530029.10), dbSNP rs764746353, ClinGen allele CA350460884.